The following is an entry in ClinVar:

NM_006648.4(WNK2):c.5773C>G (p.Arg1925Gly)

Gene: WNK2 (WNK lysine deficient protein kinase 2; plus strand). Cytogenetic location: 9q22.31.
Variant type: single nucleotide variant.
Coding change: c.5773C>G on transcript NM_006648.4 (MANE Select); coding-DNA position 5773, C replaced by G.
Protein change: p.Arg1925Gly; replaces arginine 1925 with glycine.
Molecular consequence: missense variant.
Genome position (GRCh38, 1-based): chr9:93,297,917, C>G. VCF-style: chr9-93297917-C-G. GRCh37 (hg19) VCF-style: chr9-96060199-C-G.
Other names: c.5884C>G, p.Arg1962Gly (NM_001282394.3); short protein forms R1962G, R1925G.
Identifiers: ClinVar variation 4605205 (VCV004605205.1).

ClinVar aggregate classification (germline): Uncertain significance (1 of 4 stars; one submission).

gnomAD v4.1: 1 of 1,589,472 alleles (0.000063%); highest among the groups gnomAD compares: Non-Finnish European, 0.000085%; no homozygotes.

Submission:

Ambry Genetics
Classification: Uncertain significance. Last evaluated: 2025-09-28. Review status: criteria provided, single submitter. Criteria: Ambry Variant Classification Scheme 2023. Collection method: clinical testing. Allele origin: germline.
Comment: The p.R1925G variant (also known as c.5773C>G), located in coding exon 23 of the WNK2 gene, results from a C to G substitution at nucleotide position 5773. The arginine at codon 1925 is replaced by glycine, an amino acid with dissimilar properties. This amino acid position is conserved. In addition, the in silico prediction for this alteration is inconclusive. Based on the available evidence, the clinical significance of this variant remains unclear.